The following is an entry in ClinVar:

NM_006766.5(KAT6A):c.1A>G (p.Met1Val)

Gene: KAT6A (lysine acetyltransferase 6A; minus strand). Cytogenetic location: 8p11.21.
Variant type: single nucleotide variant.
Coding change: c.1A>G on transcript NM_006766.5 (MANE Select); coding-DNA position 1, A replaced by G.
Protein change: p.Met1Val; changes the start codon (methionine 1).
Molecular consequence: missense variant, initiator codon variant.
Genome position (GRCh38, 1-based): chr8:42,048,977, T>C on the plus strand (A>G on the coding strand, the complement: KAT6A is on the minus strand). VCF-style: chr8-42048977-T-C. GRCh37 (hg19) VCF-style: chr8-41906495-T-C.
Other names: c.1A>G, p.Met1Val (NM_001305878.2); short protein forms M1V.
Identifiers: ClinVar variation 4850089 (VCV004850089.1).

ClinVar aggregate classification (germline): Likely pathogenic (1 of 4 stars; one submission).

Conditions:
Autosomal dominant intellectual disability-craniofacial anomalies-cardiac defects syndrome (ARTHS). Also called: Arboleda-Tham syndrome; Mental retardation, autosomal dominant 32; KAT6A syndrome. Identifiers: Orphanet 457193, MedGen C4225396, MONDO:0014558, OMIM 616268.

Submission:

Institute for Clinical Genetics, University Hospital TU Dresden, University Hospital TU Dresden
Classification: Likely pathogenic for Autosomal dominant intellectual disability-craniofacial anomalies-cardiac defects syndrome. Last evaluated: 2024-06-10. Review status: criteria provided, single submitter. Criteria: ACMG Guidelines, 2015. Collection method: clinical testing. Allele origin: germline. Affected: yes.
Comment: The start-loss variant in the KAT6A gene (NM_006766.5(KAT6A):c.1A>G, p.(Met1?)) leads to an amino acid exchange at position 1 in the corresponding protein due to a base exchange at position 1 of the cDNA, which results in a loss of the translation start codon. The closest alternative translation initiation is located at the nearest downstream methionine at codon 831 in exon 5. The expression of an N-terminally truncated, non-functional protein is not expected, as at least four (probably) pathogenic loss-of-function variants are reported upstream in the ClinVar database. Bioinformatic prediction algorithms for assessing the effect on protein expression estimate the effect of the variant as strong, as there are furthermore no alternative start codons in other transcripts (AutoPVS1, PMID: 32442321). An actual effect has not yet been functionally investigated. The variant has not yet been classified in the ClinVar database, but is listed 3 times (paternally inherited) as (probably) pathogenic in the DECIPHER database (patients 279648, 279650, 279651). The patients are described there with a slightly variable phenotype, but all have a developmental disorder and intellectual disability in common, as well as a father with moderate intellectual disability. The variant is reported in the literature as a paternally inherited variant in two siblings with developmental disorder, speech delay and few facial abnormalities. However, it remains unclear whether the father is affected (PMID: 30245513). The variant is not yet listed in the gnomAD v4.1.0 population database. According to current ACMG recommendations for variant evaluation (PMID 25741868), the criteria PVS1_STR, PS4_SUP and PM2_SUP are fulfilled, resulting in an evaluation as a probably pathogenic variant (ACMG class 4).